The following is an entry in ClinVar:

NM_001378615.1(CC2D2A):c.4702T>C (p.Tyr1568His)

Genes: CC2D2A (coiled-coil and C2 domain containing 2A; plus strand), FBXL5 (F-box and leucine rich repeat protein 5; minus strand). Cytogenetic location: 4p15.32.
Variant type: single nucleotide variant.
Coding change: c.4702T>C on transcript NM_001378615.1 (MANE Select); coding-DNA position 4702, T replaced by C.
Protein change: p.Tyr1568His; replaces tyrosine 1568 with histidine.
Molecular consequence: missense variant.
Genome position (GRCh38, 1-based): chr4:15,601,264, T>C. VCF-style: chr4-15601264-T-C. GRCh37 (hg19) VCF-style: chr4-15602887-T-C.
Other names: c.4702T>C, p.Tyr1568His (NM_001080522.2); c.4555T>C, p.Tyr1519His (NM_001378617.1); short protein forms Y1519H, Y1568H.
Identifiers: ClinVar variation 4848109 (VCV004848109.1).

ClinVar aggregate classification (germline): Uncertain significance (1 of 4 stars; one submission).

gnomAD v4.1: 1 of 1,613,036 alleles (0.000062%); highest among the groups gnomAD compares: African/African-American, 0.0013%; no homozygotes.

Submission:

Women's Health and Genetics/Laboratory Corporation of America, LabCorp
Classification: Uncertain significance. Last evaluated: 2026-02-02. Review status: criteria provided, single submitter. Criteria: LabCorp Variant Classification Summary - May 2015. Collection method: clinical testing. Allele origin: germline.
Comment: Variant summary: CC2D2A c.4702T>C (p.Tyr1568His) results in a conservative amino acid change in the encoded protein sequence. Algorithms developed to predict the effect of missense changes on protein structure and function are either unavailable or do not agree on the potential impact of this missense change. The variant was absent in 247734 control chromosomes. The available data on variant occurrences in the general population are insufficient to allow any conclusion about variant significance. c.4702T>C has been observed in at least one compound heterozygous individual affected with Joubert Syndrome (e.g. Srour_2012). These data do not allow any conclusion about variant significance. To our knowledge, no experimental evidence demonstrating an impact on protein function has been reported. The following publication has been ascertained in the context of this evaluation (PMID: 23012439). No submitters have cited clinical-significance assessments for this variant to ClinVar. Based on the evidence outlined above, the variant was classified as uncertain significance.

Literature cited by the submitters: PubMed 23012439.